The following is an entry in ClinVar:

ClinVar aggregate classification (germline): Uncertain significance (1 of 4 stars; one submission).

Conditions:
Inborn genetic diseases. Identifiers: MedGen C0950123, MeSH D030342.

Submission:

Ambry Genetics
Classification: Uncertain significance for Inborn genetic diseases. Last evaluated: 2024-11-26. Review status: criteria provided, single submitter. Criteria: Ambry Variant Classification Scheme 2023. Collection method: clinical testing. Allele origin: germline.
Comment: The p.S135F variant (also known as c.404C>T), located in coding exon 3 of the MBD4 gene, results from a C to T substitution at nucleotide position 404. The serine at codon 135 is replaced by phenylalanine, an amino acid with highly dissimilar properties. This amino acid position is conserved. In addition, this alteration is predicted to be tolerated by in silico analysis. Based on the available evidence, the clinical significance of this variant remains unclear.

NM_001276270.2(MBD4):c.404C>T (p.Ser135Phe)

Gene: MBD4 (methyl-CpG binding domain 4, DNA glycosylase; minus strand). Cytogenetic location: 3q21.3.
Variant type: single nucleotide variant.
Coding change: c.404C>T on transcript NM_001276270.2 (MANE Select); coding-DNA position 404, C replaced by T.
Protein change: p.Ser135Phe; replaces serine 135 with phenylalanine.
Molecular consequence: missense variant. On other transcripts: intron variant (1).
Genome position (GRCh38, 1-based): chr3:129,437,240, G>A on the plus strand (C>T on the coding strand, the complement: MBD4 is on the minus strand). VCF-style: chr3-129437240-G-A. GRCh37 (hg19) VCF-style: chr3-129156083-G-A.
Other names: c.404C>T, p.Ser135Phe (NM_001276271.2, NM_001276272.2, NM_003925.3); c.247+568C>T (NM_001276273.2); short protein forms S135F.
Identifiers: ClinVar variation 3543781 (VCV003543781.1).